The following is an entry in ClinVar:

NM_152594.3(SPRED1):c.1044T>C (p.Val348=)

Gene: SPRED1 (sprouty related EVH1 domain containing 1; plus strand). Cytogenetic location: 15q14.
Variant type: single nucleotide variant.
Coding change: c.1044T>C on transcript NM_152594.3 (MANE Select); coding-DNA position 1044, T replaced by C.
Protein change: p.Val348=; no amino-acid change (valine 348 retained).
Molecular consequence: synonymous variant.
Genome position (GRCh38, 1-based): chr15:38,351,373, T>C. VCF-style: chr15-38351373-T-C. GRCh37 (hg19) VCF-style: chr15-38643574-T-C.
Other names: p.Val348=.
Identifiers: ClinVar variation 41370 (VCV000041370.50), dbSNP rs3751526, ClinGen allele CA142266.

ClinVar aggregate classification (germline): Benign. Review status: criteria provided, multiple submitters, no conflicts (2 of 4 stars). 19 submissions from 19 submitters: Benign (14). 5 of the submissions do not count toward it. Last evaluated 2026-02-04.

Conditions:
Cardiovascular phenotype. Identifiers: MedGen CN230736.
Legius syndrome. Identifiers: Orphanet 137605, MedGen C1969623, MONDO:0012669, OMIM 611431. Disease mechanism: loss of function.

Allele frequency attached by ClinVar (database versions not stated): 1000 Genomes Project 30x 0.79763; 1000 Genomes Project 0.79952; TOPMed 0.80504; gnomAD 0.81965; ESP Exome Variant Server 0.82538.
gnomAD v4.1: 1,422,966 of 1,613,954 alleles (88%); highest among the groups gnomAD compares: Non-Finnish European, 90%; 630,003 homozygotes.

Submissions (19):

Labcorp Genetics (formerly Invitae), Labcorp
Classification: Benign for Legius syndrome. Last evaluated: 2026-02-04. Review status: criteria provided, single submitter. Criteria: Invitae Variant Classification Sherloc (09022015). Collection method: clinical testing. Allele origin: germline.

ARUP Laboratories, Molecular Genetics and Genomics, ARUP Laboratories
Classification: Benign for Legius syndrome. Last evaluated: 2025-07-31. Review status: criteria provided, single submitter. Criteria: ARUP Molecular Germline Variant Investigation Process 2024. Collection method: clinical testing. Allele origin: germline.

Blueprint Genetics
Classification: Benign. Last evaluated: 2024-11-27. Review status: criteria provided, single submitter. Criteria: ACMG Guidelines, 2015. Collection method: clinical testing. Allele origin: germline.

KCCC/NGS Laboratory, Kuwait Cancer Control Center
Classification: Benign for Legius syndrome. Last evaluated: 2023-07-07. Review status: criteria provided, single submitter. Criteria: ACMG Guidelines, 2015. Collection method: clinical testing. Allele origin: germline. Affected: yes.

Mayo Clinic Laboratories, Mayo Clinic
Classification: Benign. Last evaluated: 2022-04-26. Review status: criteria provided, single submitter. Criteria: ACMG Guidelines, 2015. Collection method: clinical testing. Allele origin: germline. Observed: 126 variant alleles.

Genome-Nilou Lab
Classification: Benign for Legius syndrome. Last evaluated: 2021-07-15. Review status: criteria provided, single submitter. Criteria: ACMG Guidelines, 2015. Collection method: clinical testing. Allele origin: germline. Affected: no.

Illumina Laboratory Services, Illumina
Classification: Benign for Legius syndrome. Last evaluated: 2018-01-12. Review status: criteria provided, single submitter. Criteria: ICSL Variant Classification Criteria 13 December 2019. Collection method: clinical testing. Allele origin: germline.
Comment: This variant was observed in the ICSL laboratory as part of a predisposition screen in an ostensibly healthy population. It had not been previously curated by ICSL or reported in the Human Gene Mutation Database (HGMD: prior to June 1st, 2018), and was therefore a candidate for classification through an automated scoring system. Utilizing variant allele frequency, disease prevalence and penetrance estimates, and inheritance mode, an automated score was calculated to assess if this variant is too frequent to cause the disease. Based on the score and internal cut-off values, a variant classified as benign is not then subjected to further curation. The score for this variant resulted in a classification of benign for this disease.

Women's Health and Genetics/Laboratory Corporation of America, LabCorp
Classification: Benign. Last evaluated: 2017-04-18. Review status: criteria provided, single submitter. Criteria: LabCorp Variant Classification Summary - May 2015. Collection method: clinical testing. Allele origin: germline.
Comment: Variant summary: The SPRED1 c.1044T>C (p.Val348Val) variant involves the alteration of a non-conserved nucleotide, resulting in a synonymous change. Mutation taster predicts a polymorphism outcome for this variant. 5/5 splice prediction tools predict no significant impact on normal splicing. ESE finder predicts that this variant may affect binding of multiple ESE sites. However, no published functional studies are available to confirm these predictions. This variant was found in 104813/121358 control chromosomes (45668 homozygotes) from ExAC at a frequency of 0.8636678; therefore it is a very common polymorphism and allele C is the major allele at this cDNA position. Several clinical diagnostic laboratories/reputable databases have classified this variant as benign. Taken together, this variant is classified as Benign.

Ambry Genetics
Classification: Benign for Cardiovascular phenotype. Last evaluated: 2016-04-04. Review status: criteria provided, single submitter. Criteria: Ambry Variant Classification Scheme 2023. Collection method: clinical testing. Allele origin: germline.

Eurofins Ntd Llc (ga)
Classification: Benign. Last evaluated: 2015-12-30. Review status: criteria provided, single submitter. Criteria: EGL Classification Definitions 2015. Collection method: clinical testing. Allele origin: germline. Observed: 22 variant alleles, 5 heterozygotes, 17 homozygotes.

GeneDx
Classification: Benign. Last evaluated: 2015-07-14. Review status: criteria provided, single submitter. Criteria: GeneDx Variant Classification (06012015). Collection method: clinical testing. Allele origin: germline. Affected: yes.
Comment: This variant is considered likely benign or benign based on one or more of the following criteria: it is a conservative change, it occurs at a poorly conserved position in the protein, it is predicted to be benign by multiple in silico algorithms, and/or has population frequency not consistent with disease.

Laboratory for Molecular Medicine, Mass General Brigham Personalized Medicine
Classification: Benign. Last evaluated: 2012-03-14. Review status: criteria provided, single submitter. Criteria: LMM Criteria. Collection method: clinical testing. Allele origin: germline. Observed: 1,507 variant alleles.
Comment: Val348Val in exon 7 of SPRED1: This variant is not expected to have clinical sig nificance because it does not alter an amino acid residue, is not located within the splice consensus sequence, and it has been identified in 90% (6302/7020) of European American chromosomes and 69% (2574/3738) of African American chromosom es from a broad population by the NHLBI Exome Sequencing Project (.; dbSNP rs3751526).

Breakthrough Genomics
Classification: Benign. Review status: criteria provided, single submitter. Criteria: ACMG Guidelines, 2015. Collection method: not provided. Allele origin: germline. Inheritance: Autosomal dominant inheritance. Affected: yes.

PreventionGenetics, part of Exact Sciences
Classification: Benign. Review status: criteria provided, single submitter. Criteria: ACMG Guidelines, 2015. Collection method: clinical testing. Allele origin: germline.

Clinical Genetics, Academic Medical Center
Classification: Benign. Review status: no assertion criteria provided. Collection method: clinical testing. Allele origin: germline. Affected: yes. Study: VKGL Data-share Consensus. Not counted in ClinVar's aggregate classification.

Diagnostic Laboratory, Department of Genetics, University Medical Center Groningen
Classification: Benign for Legius syndrome. Review status: no assertion criteria provided. Collection method: clinical testing. Allele origin: germline. Affected: yes. Study: VKGL Data-share Consensus. Not counted in ClinVar's aggregate classification.

GeneReviews
No classification provided. Condition: Legius syndrome. Review status: no classification provided. Collection method: literature only. Allele origin: unknown. Not counted in ClinVar's aggregate classification.

Genome Diagnostics Laboratory, University Medical Center Utrecht
Classification: Benign. Review status: no assertion criteria provided. Collection method: clinical testing. Allele origin: germline. Affected: yes. Study: VKGL Data-share Consensus. Not counted in ClinVar's aggregate classification.

Joint Genome Diagnostic Labs from Nijmegen and Maastricht, Radboudumc and MUMC+
Classification: Benign. Review status: no assertion criteria provided. Collection method: clinical testing. Allele origin: germline. Affected: yes. Study: VKGL Data-share Consensus. Not counted in ClinVar's aggregate classification.

Literature cited by the submitters: PubMed 20945555 (cited by GeneReviews); NCBI Bookshelf NBK47312 (cited by GeneReviews).